The following is an entry in ClinVar:

NM_144687.4(NLRP12):c.2398A>G (p.Arg800Gly)

Gene: NLRP12 (NLR family pyrin domain containing 12; minus strand). Cytogenetic location: 19q13.42.
Variant type: single nucleotide variant.
Coding change: c.2398A>G on transcript NM_144687.4 (MANE Select); coding-DNA position 2398, A replaced by G.
Protein change: p.Arg800Gly; replaces arginine 800 with glycine.
Molecular consequence: missense variant.
Genome position (GRCh38, 1-based): chr19:53,805,296, T>C on the plus strand (A>G on the coding strand, the complement: NLRP12 is on the minus strand). VCF-style: chr19-53805296-T-C. GRCh37 (hg19) VCF-style: chr19-54308550-T-C.
Other names: c.2401A>G, p.Arg801Gly (NM_001277126.2); c.2398A>G, p.Arg800Gly (NM_001277129.1); short protein forms R800G, R801G.
Identifiers: ClinVar variation 1006131 (VCV001006131.8), dbSNP rs922832985, ClinGen allele CA310065573.

ClinVar aggregate classification (germline): Uncertain significance (1 of 4 stars; one submission).

Conditions:
Familial cold autoinflammatory syndrome 2 (FCAS2). Identifiers: Orphanet 247868, MedGen C2673198, MONDO:0012724, OMIM 611762.

Allele frequency attached by ClinVar (database versions not stated): gnomAD exomes below 0.00001; TOPMed below 0.00001.
gnomAD v4.1: 1 of 1,614,036 alleles (0.000062%); highest among the groups gnomAD compares: Non-Finnish European, 0.000085%; no homozygotes.

Submission:

Labcorp Genetics (formerly Invitae), Labcorp
Classification: Uncertain significance for Familial cold autoinflammatory syndrome 2. Last evaluated: 2020-06-29. Review status: criteria provided, single submitter. Criteria: Invitae Variant Classification Sherloc (09022015). Collection method: clinical testing. Allele origin: germline.
Comment: In summary, the available evidence is currently insufficient to determine the role of this variant in disease. Therefore, it has been classified as a Variant of Uncertain Significance. Algorithms developed to predict the effect of missense changes on protein structure and function are either unavailable or do not agree on the potential impact of this missense change (SIFT: "Deleterious"; PolyPhen-2: "Benign"; Align-GVGD: "Class C0"). This variant has not been reported in the literature in individuals with NLRP12-related conditions. This variant is not present in population databases (ExAC no frequency). This sequence change replaces arginine with glycine at codon 800 of the NLRP12 protein (p.Arg800Gly). The arginine residue is weakly conserved and there is a moderate physicochemical difference between arginine and glycine.